The following is an entry in ClinVar:

ClinVar aggregate classification (germline): Conflicting classifications of pathogenicity. Review status: criteria provided, conflicting classifications (1 of 4 stars). 12 submissions from 11 submitters: Uncertain significance (8); Likely benign (1). 3 of the submissions do not count toward it. Last evaluated 2024-09-04.

Conditions:
CENPJ-related disorder. Also called: CENPJ-related condition; CENPJ-related disorders.
Inborn genetic diseases. Identifiers: MedGen C0950123, MeSH D030342.
Microcephaly 6, primary, autosomal recessive. Identifiers: Orphanet 2512, MedGen C1842109, MONDO:0012029, OMIM 608393.
Seckel syndrome 4 (SCKL4). Identifiers: Orphanet 808, MedGen C3888212, MONDO:0013358, OMIM 613676.

Allele frequency attached by ClinVar (database versions not stated): 1000 Genomes Project 30x 0.00016; 1000 Genomes Project 0.00020; ExAC 0.00043; gnomAD exomes 0.00044 and 0.00047; ESP Exome Variant Server 0.00062; TOPMed 0.00066; gnomAD 0.00073 and 0.00076.
gnomAD v4.1: 740 of 1,613,900 alleles (0.046%); highest among the groups gnomAD compares: Admixed American, 0.13%; 1 homozygote.

Submissions (12):

Blueprint Genetics
Classification: Uncertain significance. Last evaluated: 2024-09-04. Review status: criteria provided, single submitter. Criteria: ACMG Guidelines, 2015. Collection method: clinical testing. Allele origin: germline.

CeGaT Center for Human Genetics Tuebingen
Classification: Likely benign. Last evaluated: 2024-08-01. Review status: criteria provided, single submitter. Criteria: CeGaT Center For Human Genetics Tuebingen Variant Classification Criteria Version 2. Collection method: clinical testing. Allele origin: germline. Affected: yes. Observed: 5 variant alleles.
Comment: CPAP: PP3, BS2

GeneDx
Classification: Uncertain significance. Last evaluated: 2024-04-13. Review status: criteria provided, single submitter. Criteria: GeneDx Variant Classification Process June 2021. Collection method: clinical testing. Allele origin: germline. Affected: yes.
Comment: In silico analysis, which includes protein predictors and evolutionary conservation, supports a deleterious effect; Has not been previously published as pathogenic or benign germline variant to our knowledge; This variant is associated with the following publications: (PMID: 24402816)

Labcorp Genetics (formerly Invitae), Labcorp
Classification: Uncertain significance. Last evaluated: 2022-10-14. Review status: criteria provided, single submitter. Criteria: Invitae Variant Classification Sherloc (09022015). Collection method: clinical testing. Allele origin: germline.
Comment: This sequence change replaces threonine, which is neutral and polar, with isoleucine, which is neutral and non-polar, at codon 1307 of the CENPJ protein (p.Thr1307Ile). This variant is present in population databases (rs144251950, gnomAD 0.1%), and has an allele count higher than expected for a pathogenic variant. This variant has not been reported in the literature in individuals affected with CENPJ-related conditions. ClinVar contains an entry for this variant (Variation ID: 158214). Advanced modeling of protein sequence and biophysical properties (such as structural, functional, and spatial information, amino acid conservation, physicochemical variation, residue mobility, and thermodynamic stability) performed at Invitae indicates that this missense variant is expected to disrupt CENPJ protein function. In summary, the available evidence is currently insufficient to determine the role of this variant in disease. Therefore, it has been classified as a Variant of Uncertain Significance.

Ambry Genetics
Classification: Uncertain significance for Inborn genetic diseases. Last evaluated: 2021-12-07. Review status: criteria provided, single submitter. Criteria: Ambry Variant Classification Scheme 2023. Collection method: clinical testing. Allele origin: germline.

Fulgent Genetics
Classification: Uncertain significance for Microcephaly 6, primary, autosomal recessive; Seckel syndrome 4. Last evaluated: 2018-10-31. Review status: criteria provided, single submitter. Criteria: ACMG Guidelines, 2015. Collection method: clinical testing. Allele origin: unknown.

Illumina Laboratory Services, Illumina
Classification: Uncertain significance for Seckel syndrome 4. Last evaluated: 2017-04-28. Review status: criteria provided, single submitter. Criteria: ICSL Variant Classification Criteria 13 December 2019. Collection method: clinical testing. Allele origin: germline.

Illumina Laboratory Services, Illumina
Classification: Uncertain significance for Microcephaly 6, primary, autosomal recessive. Last evaluated: 2017-04-28. Review status: criteria provided, single submitter. Criteria: ICSL Variant Classification Criteria 13 December 2019. Collection method: clinical testing. Allele origin: germline.

Genetic Services Laboratory, University of Chicago
Classification: Uncertain significance for Microcephaly 6, primary, autosomal recessive. Last evaluated: 2013-02-08. Review status: criteria provided, single submitter. Criteria: ACMG Guidelines, 2007. Collection method: clinical testing. Allele origin: germline. Inheritance: Autosomal recessive inheritance.

PreventionGenetics, part of Exact Sciences
Classification: Likely benign for CENPJ-related condition. Last evaluated: 2022-01-24. Review status: no assertion criteria provided. Collection method: clinical testing. Allele origin: germline. Not counted in ClinVar's aggregate classification.
Comment: This variant is classified as likely benign based on ACMG/AMP sequence variant interpretation guidelines (Richards et al. 2015 PMID: 25741868, with internal and published modifications).

Clinical Genetics DNA and cytogenetics Diagnostics Lab, Erasmus MC, Erasmus Medical Center
Classification: Uncertain significance. Review status: no assertion criteria provided. Collection method: clinical testing. Allele origin: germline. Affected: yes. Study: VKGL Data-share Consensus. Not counted in ClinVar's aggregate classification.

Laboratory of Diagnostic Genome Analysis, Leiden University Medical Center (LUMC)
Classification: Uncertain significance. Review status: no assertion criteria provided. Collection method: clinical testing. Allele origin: germline. Affected: yes. Study: VKGL Data-share Consensus. Not counted in ClinVar's aggregate classification.

NM_018451.5(CPAP):c.3920C>T (p.Thr1307Ile)

Genes: CPAP (centrosome assembly and centriole elongation protein; minus strand), RNF17 (ring finger protein 17; plus strand). Cytogenetic location: 13q12.12.
Variant type: single nucleotide variant.
Coding change: c.3920C>T on transcript NM_018451.5 (MANE Select); coding-DNA position 3920, C replaced by T.
Protein change: p.Thr1307Ile; replaces threonine 1307 with isoleucine.
Molecular consequence: missense variant. On other transcripts: non-coding transcript variant (2).
Genome position (GRCh38, 1-based): chr13:24,883,274, G>A on the plus strand (C>T on the coding strand, the complement: CPAP is on the minus strand). VCF-style: chr13-24883274-G-A. GRCh37 (hg19) VCF-style: chr13-25457412-G-A.
Other names: short protein forms T1307I.
Identifiers: ClinVar variation 158214 (VCV000158214.61), dbSNP rs144251950, ClinGen allele CA271266.